The following is an entry in ClinVar:

NM_018129.4(PNPO):c.28G>C (p.Ala10Pro)

Gene: PNPO (pyridoxamine 5'-phosphate oxidase; plus strand). Cytogenetic location: 17q21.32.
Variant type: single nucleotide variant.
Coding change: c.28G>C on transcript NM_018129.4 (MANE Select); coding-DNA position 28, G replaced by C.
Protein change: p.Ala10Pro; replaces alanine 10 with proline.
Molecular consequence: missense variant.
Genome position (GRCh38, 1-based): chr17:47,941,703, G>C. VCF-style: chr17-47941703-G-C. GRCh37 (hg19) VCF-style: chr17-46019069-G-C.
Other names: short protein forms A10P.
Identifiers: ClinVar variation 536261 (VCV000536261.8), dbSNP rs895290391, ClinGen allele CA291293077.

ClinVar aggregate classification (germline): Uncertain significance (1 of 4 stars; one submission).

Conditions:
Pyridoxal phosphate-responsive seizures (PNPOD). Also called: EPILEPTIC ENCEPHALOPATHY, NEONATAL, PNPO-RELATED; SEIZURES, PYRIDOXINE-RESISTANT, PLP-SENSITIVE; Pyridoxal 5'-Phosphate (PLP)-Dependent Epilepsy; Pyridoxamine 5-Prime-Phosphate Oxidase Deficiency; Pyridoxine-5'-phosphate oxidase deficiency. Identifiers: Orphanet 79096, MedGen C1864723, MONDO:0012407, OMIM 610090. Disease mechanism: loss of function.

Allele frequency attached by ClinVar (database versions not stated): gnomAD exomes 0.00002; TOPMed 0.00001.

Submission:

Labcorp Genetics (formerly Invitae), Labcorp
Classification: Uncertain significance for Pyridoxal phosphate-responsive seizures. Last evaluated: 2022-07-19. Review status: criteria provided, single submitter. Criteria: Invitae Variant Classification Sherloc (09022015). Collection method: clinical testing. Allele origin: germline.
Comment: This sequence change replaces alanine, which is neutral and non-polar, with proline, which is neutral and non-polar, at codon 10 of the PNPO protein (p.Ala10Pro). This variant is not present in population databases (gnomAD no frequency). This variant has not been reported in the literature in individuals affected with PNPO-related conditions. ClinVar contains an entry for this variant (Variation ID: 536261). Algorithms developed to predict the effect of missense changes on protein structure and function (SIFT, PolyPhen-2, Align-GVGD) all suggest that this variant is likely to be tolerated. In summary, the available evidence is currently insufficient to determine the role of this variant in disease. Therefore, it has been classified as a Variant of Uncertain Significance.